The following is an entry in ClinVar:

ClinVar aggregate classification (germline): Pathogenic/Likely pathogenic. Review status: criteria provided, multiple submitters, no conflicts (2 of 4 stars). 2 submissions from 2 submitters: Pathogenic (1); Likely pathogenic (1). Last evaluated 2025-07-02.

Conditions:
Retinitis pigmentosa 73 (RP73). Identifiers: Orphanet 791, MedGen C4225287, MONDO:0014687, OMIM 616544.
Mucopolysaccharidosis, MPS-III-C (MPS3C). Also called: MPS IIIC (Sanfilippo Syndrome Type C); MUCOPOLYSACCHARIDOSIS, TYPE IIIC; Mucopolysaccharidosis type IIIC (Sanfilippo C); SANFILIPPO SYNDROME C; MPS III C; mucopolysaccharidosis type 3C. Identifiers: Orphanet 581, Orphanet 79271, MedGen C0086649, MONDO:0009657, OMIM 252930.

Allele frequency attached by ClinVar (database versions not stated): gnomAD 0.00001.
gnomAD v4.1: 1 of 1,612,992 alleles (0.000062%); highest among the groups gnomAD compares: South Asian, 0.0011%; no homozygotes.

Submissions (2):

Labcorp Genetics (formerly Invitae), Labcorp
Classification: Pathogenic for Retinitis pigmentosa 73; Mucopolysaccharidosis, MPS-III-C. Last evaluated: 2025-07-02. Review status: criteria provided, single submitter. Criteria: Invitae Variant Classification Sherloc (09022015). Collection method: clinical testing. Allele origin: germline.
Comment: This sequence change creates a premature translational stop signal (p.Tyr441*) in the HGSNAT gene. It is expected to result in an absent or disrupted protein product. Loss-of-function variants in HGSNAT are known to be pathogenic (PMID: 17033958, 19479962, 25859010). This variant is not present in population databases (gnomAD no frequency). This variant has not been reported in the literature in individuals affected with HGSNAT-related conditions. ClinVar contains an entry for this variant (Variation ID: 1374201). For these reasons, this variant has been classified as Pathogenic.

Lifecell International Pvt. Ltd
Classification: Likely pathogenic for Mucopolysaccharidosis, MPS-III-C. Review status: criteria provided, single submitter. Criteria: ACMG Guidelines, 2015. Collection method: clinical testing. Allele origin: germline. Inheritance: Autosomal recessive inheritance. Affected: yes. Observed: 1 compound heterozygote.
Comment: A Heterozygous Nonsense variant c.1323C>A in Exon 13 of the HGSNAT gene that results in the amino acid substitution p.Tyr441* was identified. The observed variant is novel in gnomAD exomes and genomes. The severity of the impact of this variant on the protein is high, based on the effect of the protein and REVEL score . Rare Exome Variant Ensemble Learner (REVEL) is an ensembl method for predicting the pathogenicity of missense variants based on a combination of scores from 13 individual tools: MutPred, FATHMM v2.3, VEST 3.0, PolyPhen- 2, SIFT, PROVEAN, MutationAssessor, MutationTaster, LRT, GERP++, SiPhy, phyloP, and phastCons. The REVEL score for an individual missense variant can range from 0 to 1, with higher scores reflecting greater likelihood that the variant is disease-causing. ClinVar has also classified this variant as Pathogenic [Variation ID:1374201]. For these reasons, this variant has been classified as Likely Pathogenic.

Literature cited by the submitters: PubMed 17033958 (cited by Labcorp Genetics (formerly Invitae), Labcorp); PubMed 19479962 (cited by Labcorp Genetics (formerly Invitae), Labcorp); PubMed 25859010 (cited by Labcorp Genetics (formerly Invitae), Labcorp).

NM_152419.3(HGSNAT):c.1323C>A (p.Tyr441Ter)

Gene: HGSNAT (heparan-alpha-glucosaminide N-acetyltransferase; plus strand). Cytogenetic location: 8p11.21.
Variant type: single nucleotide variant.
Coding change: c.1323C>A on transcript NM_152419.3 (MANE Select); coding-DNA position 1323, C replaced by A.
Protein change: p.Tyr441Ter; replaces tyrosine 441 with a stop codon.
Molecular consequence: nonsense.
Genome position (GRCh38, 1-based): chr8:43,192,376, C>A. VCF-style: chr8-43192376-C-A. GRCh37 (hg19) VCF-style: chr8-43047519-C-A.
Other names: c.1323C>A, p.Tyr441Ter (NM_001363227.2); c.1131C>A, p.Tyr377Ter (NM_001363228.2); c.459C>A, p.Tyr153Ter (NM_001363229.2); short protein forms Y441*, Y153*, Y377*.
Identifiers: ClinVar variation 1374201 (VCV001374201.6), dbSNP rs1804568176, ClinGen allele CA371119685.